The following is an entry in ClinVar:

ClinVar aggregate classification (germline): Uncertain significance (1 of 4 stars; one submission).

Conditions:
SYNE4-related disorder. Also called: SYNE4-related condition.

gnomAD v4.1: 10 of 1,602,484 alleles (0.00062%); highest among the groups gnomAD compares: Admixed American, 0.018%; no homozygotes.

Submission:

PreventionGenetics, part of Exact Sciences
Classification: Uncertain significance for SYNE4-related condition. Last evaluated: 2026-04-15. Review status: criteria provided, single submitter. Criteria: ACMG Guidelines, 2015. Collection method: clinical testing. Allele origin: germline.
Comment: The SYNE4 c.539T>C variant is predicted to result in the amino acid substitution p.Leu180Pro. To our knowledge, this variant has not been reported in the literature. This variant is reported in 0.023% of alleles in individuals of Latino descent in gnomAD. At this time, the clinical significance of this variant is uncertain due to the absence of conclusive functional and genetic evidence.

NM_001039876.3(SYNE4):c.539T>C (p.Leu180Pro)

Gene: SYNE4 (spectrin repeat containing nuclear envelope family member 4; minus strand). Cytogenetic location: 19q13.12.
Variant type: single nucleotide variant.
Coding change: c.539T>C on transcript NM_001039876.3 (MANE Select); coding-DNA position 539, T replaced by C.
Protein change: p.Leu180Pro; replaces leucine 180 with proline.
Molecular consequence: missense variant. On other transcripts: intron variant (1).
Genome position (GRCh38, 1-based): chr19:36,006,829, A>G on the plus strand (T>C on the coding strand, the complement: SYNE4 is on the minus strand). VCF-style: chr19-36006829-A-G. GRCh37 (hg19) VCF-style: chr19-36497731-A-G.
Other names: c.280-158T>C (NM_001297735.3); short protein forms L180P.
Identifiers: ClinVar variation 4988752 (VCV004988752.1).
Genomic context (GRCh38, chr19:36,006,829, plus strand): 5'-TGGGCCTGCAGCTGCCAGAGCCGCCGGAAGATGGAGTCTCGGTAAGCTCCCAGGGCCCGC[A>G]GGATCTGCTCCAGGGCTGCCCAGGCCCTGGGCTCACTCCGCTGTGCCAGCCCCTCACCAA-3'
Protein context (NP_001034965.1, residues 170-190): PRAWAALEQI[Leu180Pro]RALGAYRDSI